The following is an entry in ClinVar:

NM_000077.5(CDKN2A):c.295C>A (p.Arg99=)

Gene: CDKN2A (cyclin dependent kinase inhibitor 2A; minus strand). Cytogenetic location: 9p21.3.
Variant type: single nucleotide variant.
Coding change: c.295C>A on transcript NM_000077.5; coding-DNA position 295, C replaced by A.
Protein change: p.Arg99=; no amino-acid change (arginine 99 retained).
Molecular consequence: synonymous variant (on NM_000077.6). On other transcripts: missense variant (1), 3 prime UTR variant (1).
Genome position (GRCh38, 1-based): chr9:21,971,064, G>T on the plus strand (C>A on the coding strand, the complement: CDKN2A is on the minus strand). VCF-style: chr9-21971064-G-T. GRCh37 (hg19) VCF-style: chr9-21971063-G-T.
Other names: c.295C>A, p.Arg99= (NM_000077.6, NM_001195132.2); c.142C>A, p.Arg48= (NM_001363763.2); c.338C>A, p.Pro113Gln (NM_058195.4); c.*218C>A (NM_058197.5); short protein forms P113Q.
Identifiers: ClinVar variation 1038258 (VCV001038258.10), dbSNP rs34886500, ClinGen allele CA373086117.

ClinVar aggregate classification (germline): Conflicting classifications of pathogenicity. Review status: criteria provided, conflicting classifications (1 of 4 stars). 2 submissions from 2 submitters: Uncertain significance (1); Likely benign (1). Last evaluated 2023-06-08.

Conditions:
Hereditary cancer-predisposing syndrome. Also called: Hereditary neoplastic syndrome; Neoplastic Syndromes, Hereditary; Tumor predisposition; Hereditary Cancer Syndrome. Identifiers: Orphanet 140162, MedGen C0027672, MeSH D009386, MONDO:0015356.
Familial melanoma. Also called: Hereditary melanoma; Hereditary cutaneous melanoma. Identifiers: Orphanet 618, MedGen C1512419, MONDO:0018961.

gnomAD v4.1: 3 of 1,605,426 alleles (0.00019%); highest among the groups gnomAD compares: South Asian, 0.0011%; no homozygotes.

Submissions (2):

Ambry Genetics
Classification: Likely benign for Hereditary cancer-predisposing syndrome. Last evaluated: 2023-06-08. Review status: criteria provided, single submitter. Criteria: Ambry Variant Classification Scheme 2023. Collection method: clinical testing. Allele origin: germline.

Labcorp Genetics (formerly Invitae), Labcorp
Classification: Uncertain significance for Familial melanoma. Last evaluated: 2022-01-12. Review status: criteria provided, single submitter. Criteria: Invitae Variant Classification Sherloc (09022015). Collection method: clinical testing. Allele origin: germline.
Comment: ClinVar contains an entry for this variant (Variation ID: 1038258). The CDKN2A gene encodes two different proteins, p16INK4a and p14ARF, which are translated from alternative transcripts with different open reading frames. Both transcripts have been analyzed, we report either the variant with the higher classification or default to the CDKN2A (p16INK4a) variant. This report therefore includes the details for the CDKN2A (p16INK4a) variant. This sequence change affects codon 99 of the CDKN2A (p16INK4a) mRNA. It is a 'silent' change, meaning that it does not change the encoded amino acid sequence of the CDKN2A (p16INK4a) protein. This variant is not present in population databases (gnomAD no frequency). This variant has not been reported in the literature in individuals affected with CDKN2A (p16INK4a)-related conditions. This variant is also known as c.338C>A (p.Pro113Gln) in the CDKN2A (p14ARF) transcript. Algorithms developed to predict the effect of sequence changes on RNA splicing suggest that this variant may create or strengthen a splice site. In summary, the available evidence is currently insufficient to determine the role of this variant in disease. Therefore, it has been classified as a Variant of Uncertain Significance.